The following is an entry in ClinVar:

ClinVar aggregate classification (germline): Benign/Likely benign. Review status: criteria provided, multiple submitters, no conflicts (2 of 4 stars). 24 submissions from 24 submitters: Benign (14); Likely benign (5). 5 of the submissions do not count toward it. Last evaluated 2026-05-01.

Conditions:
Breast and/or ovarian cancer. Identifiers: MedGen CN221562.
Hereditary cancer-predisposing syndrome. Also called: Tumor predisposition; Hereditary neoplastic syndrome; Hereditary Cancer Syndrome; Neoplastic Syndromes, Hereditary. Identifiers: Orphanet 140162, MedGen C0027672, MeSH D009386, MONDO:0015356.
Hereditary breast ovarian cancer syndrome. Also called: Hereditary breast and ovarian cancer; Hereditary breast and/or ovarian cancer syndrome; BRCA1- and BRCA2-Associated Hereditary Breast and Ovarian Cancer; Hereditary breast and ovarian cancer syndrome (HBOC); Hereditary breast and ovarian cancer syndrome; Breast and ovarian cancer. Identifiers: Orphanet 145, MedGen C0677776, MeSH D061325, MONDO:0003582. Disease mechanism: loss of function.
Familial cancer of breast. Also called: Hereditary breast cancer; hereditary breast carcinoma; BREAST CANCER, FAMILIAL. Identifiers: Orphanet 227535, MedGen C0346153, MONDO:0016419, OMIM 114480. Disease mechanism: loss of function.
Ataxia-telangiectasia syndrome (AT). Also called: ATAXIA-TELANGIECTASIA, COMPLEMENTATION GROUP A; ATAXIA-TELANGIECTASIA, FRESNO VARIANT; Ataxia-telangiectasia; Ataxia-telangiectasia, complementation group D; AT, COMPLEMENTATION GROUP C; Ataxia-telangiectasia, complementation group E. Identifiers: Orphanet 100, MedGen C0004135, MONDO:0008840, OMIM 208900.
Malignant tumor of breast. Also called: Cancer breast; Malignant breast neoplasm. Identifiers: MedGen C0006142, MONDO:0007254. Disease mechanism: loss of function.

Allele frequency attached by ClinVar (database versions not stated): gnomAD exomes 0.00026 and 0.00070; ExAC 0.00086; gnomAD 0.00267 and 0.00287; 1000 Genomes Project 0.00280; TOPMed 0.00305; ESP Exome Variant Server 0.00331; 1000 Genomes Project 30x 0.00359.
gnomAD v4.1: 812 of 1,613,672 alleles (0.05%); highest among the groups gnomAD compares: African/African-American, 0.97%; 3 homozygotes.

Submissions (25):

CeGaT Center for Human Genetics Tuebingen
Classification: Likely benign. Last evaluated: 2026-05-01. Review status: criteria provided, single submitter. Criteria: CeGaT Center For Human Genetics Tuebingen Variant Classification Criteria Version 2. Collection method: clinical testing. Allele origin: germline. Affected: yes. Observed: 2 variant alleles.
Comment: ATM: BP4, BS1

Labcorp Genetics (formerly Invitae), Labcorp
Classification: Benign for Ataxia-telangiectasia syndrome. Last evaluated: 2026-02-03. Review status: criteria provided, single submitter. Criteria: Invitae Variant Classification Sherloc (09022015). Collection method: clinical testing. Allele origin: germline.

Center for Genomic Medicine, Rigshospitalet, Copenhagen University Hospital
Classification: Benign. Last evaluated: 2025-03-04. Review status: criteria provided, single submitter. Criteria: ACMG Guidelines, 2015. Collection method: clinical testing. Allele origin: germline.

Blueprint Genetics
Classification: Likely benign. Last evaluated: 2024-10-11. Review status: criteria provided, single submitter. Criteria: ACMG Guidelines, 2015. Collection method: clinical testing. Allele origin: germline.

Mayo Clinic Laboratories, Mayo Clinic
Classification: Likely benign. Last evaluated: 2024-10-04. Review status: criteria provided, single submitter. Criteria: ACMG Guidelines, 2015. Collection method: clinical testing. Allele origin: germline. Observed: 7 variant alleles.
Comment: BS1, BP4

Myriad Genetics, Inc.
Classification: Benign for Familial cancer of breast. Last evaluated: 2024-05-21. Review status: criteria provided, single submitter. Criteria: Myriad Autosomal Dominant, Autosomal Recessive and X-Linked Classification Criteria (2023). Collection method: clinical testing. Allele origin: unknown.
Comment: This variant is considered benign. This variant is intronic and is not expected to impact mRNA splicing. This variant is strongly associated with less severe personal and family histories of cancer, typical for individuals without pathogenic variants in this gene [PMID: 25085752]. This variant has been observed at a population frequency that is significantly greater than expected given the associated disease prevalence and penetrance.

Athena Diagnostics
Classification: Benign. Last evaluated: 2024-03-25. Review status: criteria provided, single submitter. Criteria: Athena Diagnostics Criteria. Collection method: clinical testing. Allele origin: unknown.

ARUP Laboratories, Molecular Genetics and Genomics, ARUP Laboratories
Classification: Benign. Last evaluated: 2023-08-10. Review status: criteria provided, single submitter. Criteria: ARUP Molecular Germline Variant Investigation Process 2024. Collection method: clinical testing. Allele origin: germline.

KCCC/NGS Laboratory, Kuwait Cancer Control Center
Classification: Benign for Familial cancer of breast. Last evaluated: 2023-07-07. Review status: criteria provided, single submitter. Criteria: ACMG Guidelines, 2015. Collection method: clinical testing. Allele origin: germline. Affected: yes.

CHEO Genetics Diagnostic Laboratory, Children's Hospital of Eastern Ontario
Classification: Likely benign for Breast and/or ovarian cancer. Last evaluated: 2023-04-27. Review status: criteria provided, single submitter. Criteria: ACMG Guidelines, 2015. Collection method: clinical testing. Allele origin: germline.

National Health Laboratory Service, Universitas Academic Hospital and University of the Free State
Classification: Benign for Hereditary breast ovarian cancer syndrome. Last evaluated: 2022-04-19. Review status: criteria provided, single submitter. Criteria: ACMG Guidelines, 2015. Collection method: clinical testing. Allele origin: germline. Affected: yes. Observed: 12 variant alleles.

Sema4
Classification: Benign for Hereditary cancer-predisposing syndrome. Last evaluated: 2020-10-07. Review status: criteria provided, single submitter. Criteria: Sema4 Curation Guidelines. Collection method: curation. Allele origin: germline.

Quest Diagnostics Nichols Institute San Juan Capistrano
Classification: Benign. Last evaluated: 2019-10-23. Review status: criteria provided, single submitter. Criteria: Quest Diagnostics criteria. Collection method: clinical testing. Allele origin: unknown.

Institute for Biomarker Research, Medical Diagnostic Laboratories, L.L.C.
Classification: Likely benign for Hereditary cancer-predisposing syndrome. Last evaluated: 2018-01-16. Review status: criteria provided, single submitter. Criteria: ACMG Guidelines, 2015. Collection method: clinical testing. Allele origin: germline.

Ambry Genetics
Classification: Benign for Hereditary cancer-predisposing syndrome. Last evaluated: 2017-09-05. Review status: criteria provided, single submitter. Criteria: Ambry Variant Classification Scheme 2023. Collection method: clinical testing. Allele origin: germline.

Genetic Services Laboratory, University of Chicago
Classification: Benign. Last evaluated: 2017-05-02. Review status: criteria provided, single submitter. Criteria: ACMG Guidelines, 2015. Collection method: clinical testing. Allele origin: germline. Affected: no.

PreventionGenetics, part of Exact Sciences
Classification: Benign. Last evaluated: 2017-01-30. Review status: criteria provided, single submitter. Criteria: ACMG Guidelines, 2015. Collection method: clinical testing. Allele origin: germline.

Color Diagnostics, LLC DBA Color Health
Classification: Benign for Hereditary cancer-predisposing syndrome. Last evaluated: 2015-09-30. Review status: criteria provided, single submitter. Criteria: ACMG Guidelines, 2015. Collection method: clinical testing. Allele origin: germline.

GeneDx
Classification: Benign. Last evaluated: 2013-10-29. Review status: criteria provided, single submitter. Criteria: GeneDx Variant Classification (06012015). Collection method: clinical testing. Allele origin: germline. Affected: yes.
Comment: This variant is considered likely benign or benign based on one or more of the following criteria: it is a conservative change, it occurs at a poorly conserved position in the protein, it is predicted to be benign by multiple in silico algorithms, and/or has population frequency not consistent with disease.

Natera, Inc.
Classification: Likely benign for Ataxia-telangiectasia. Last evaluated: 2019-10-30. Review status: no assertion criteria provided. Collection method: clinical testing. Allele origin: germline. Not counted in ClinVar's aggregate classification.

Clinical Genetics DNA and cytogenetics Diagnostics Lab, Erasmus MC, Erasmus Medical Center
Classification: Likely benign. Review status: no assertion criteria provided. Collection method: clinical testing. Allele origin: germline. Affected: yes. Study: VKGL Data-share Consensus. Not counted in ClinVar's aggregate classification.

Department of Pathology and Laboratory Medicine, Sinai Health System
Classification: Likely benign for Malignant tumor of breast. Review status: no assertion criteria provided. Collection method: clinical testing. Allele origin: unknown. Affected: yes. Study: The Canadian Open Genetics Repository (COGR). Not counted in ClinVar's aggregate classification.
Comment: The ATM c.3993+5G>T variant was identified in 3 of 5470 proband chromosomes (frequency: 0.001) from individuals or families with breast cancer or lynch syndrome (Tavtigian 2009, Tung 2016, Yurgelun 2015, ). The variant was also identified in dbSNP (ID: rs3092842) as "With Likely benign allele", and in ClinVar (classified as benign by GeneDx, Ambry Genetics, Invitae, ARUP, Color Genomics, Genetic Services Laboratory, University of Chicago; as likely benign by Institute for Biomarker Research, Medical Diagnostic Laboratories, L.L.C.), and LOVD 3.0 (1x as likely benign). The variant was identified in control databases in 248 of 276424 chromosomes at a frequency of 0.001 increasing the likelihood this could be a low frequency benign variant (Genome Aggregation Database Feb 27, 2017). It was observed in the following populations: African in 233 of 24018 chromosomes (freq: 0.01), Other in 2 of 6448 chromosomes (freq: 0.0003), Latino in 12 of 34394 chromosomes (freq: 0.0004), and European in 1 of 126028 chromosomes (freq: 0.00001); it was not observed in the Ashkenazi Jewish, East Asian, Finnish, and South Asian populations. The c.3993+5G>T variant is located in the 5' splice region but does not affect the invariant +1 and +2 positions. However, positions +3 to +6 are part of the splicing consensus sequence and variants involving these positions sometimes affect splicing. In addition, 4 of 5 in silico or computational prediction software programs (SpliceSiteFinder, MaxEntScan, NNSPLICE, GeneSplicer, HumanSpliceFinder) predict a greater than 10% difference in splicing. In summary, based on the above information the clinical significance of this variant cannot be determined with certainty at this time although we would lean towards a more benign role for this variant. This variant is classified as likely benign.

Dr. Peter K. Rogan Lab, Western University
No classification provided (evidence only). Condition: Acute myeloid leukemia. Review status: no classification provided. Collection method: in vitro. Allele origin: not applicable. Functional consequence: retained intron. Not counted in ClinVar's aggregate classification.

Genome Diagnostics Laboratory, Amsterdam University Medical Center
Classification: Benign. Review status: no assertion criteria provided. Collection method: clinical testing. Allele origin: germline. Affected: yes. Study: VKGL Data-share Consensus. Not counted in ClinVar's aggregate classification.

Genome Diagnostics Laboratory, University Medical Center Utrecht
Classification: Likely benign. Review status: no assertion criteria provided. Collection method: clinical testing. Allele origin: germline. Affected: yes. Study: VKGL Data-share Consensus. Not counted in ClinVar's aggregate classification.

Literature cited by the submitters: PubMed 25085752 (cited by Myriad Genetics, Inc.); PubMed 11996792 (cited by Athena Diagnostics and Quest Diagnostics Nichols Institute San Juan Capistrano); PubMed 19781682 (cited by Athena Diagnostics and Quest Diagnostics Nichols Institute San Juan Capistrano); PubMed 26976419 (cited by Athena Diagnostics and Quest Diagnostics Nichols Institute San Juan Capistrano); PubMed 35716007 (cited by Athena Diagnostics and Quest Diagnostics Nichols Institute San Juan Capistrano); PubMed 25980754 (cited by Athena Diagnostics and Quest Diagnostics Nichols Institute San Juan Capistrano); PubMed 30306255 (cited by Athena Diagnostics and Quest Diagnostics Nichols Institute San Juan Capistrano).

NM_000051.4(ATM):c.3993+5G>T

Gene: ATM (ATM serine/threonine kinase; plus strand). Cytogenetic location: 11q22.3.
Variant type: single nucleotide variant.
Coding change: c.3993+5G>T on transcript NM_000051.4 (MANE Select); 5 bases into the intron after coding-DNA position 3993, G replaced by T.
Molecular consequence: intron variant.
Genome position (GRCh38, 1-based): chr11:108,284,478, G>T. VCF-style: chr11-108284478-G-T. GRCh37 (hg19) VCF-style: chr11-108155205-G-T.
Other names: c.3993+5G>T (NM_001351834.2).
Identifiers: ClinVar variation 136444 (VCV000136444.73), dbSNP rs3092842, ClinGen allele CA293934.